The following is an entry in ClinVar:

NM_058216.3(RAD51C):c.538del (p.Leu180fs)

Gene: RAD51C (RAD51 paralog C; plus strand). Cytogenetic location: 17q22.
Variant type: Deletion.
Coding change: c.538del on transcript NM_058216.3 (MANE Select); coding-DNA position 538, one base deleted (C; older notation c.538delC).
Protein change: p.Leu180fs; shifts the reading frame from leucine 180.
Molecular consequence: frameshift variant.
Genome position (GRCh38, 1-based): chr17:58,696,826, C deleted; the last of 2 consecutive C bases (chr17:58,696,825-58,696,826); deleting either gives the same sequence. VCF-style (leftmost placement, unchanged base first): chr17-58696824-AC-A. GRCh37 (hg19) VCF-style: chr17-56774185-AC-A.
Other names: short protein forms L180fs.
Identifiers: ClinVar variation 1747216 (VCV001747216.2), dbSNP rs2509283244, ClinGen allele CA2580094433.

ClinVar aggregate classification (germline): Pathogenic (1 of 4 stars; one submission).

Conditions:
Hereditary cancer-predisposing syndrome. Also called: Hereditary Cancer Syndrome; Neoplastic Syndromes, Hereditary; Tumor predisposition; Hereditary neoplastic syndrome. Identifiers: Orphanet 140162, MedGen C0027672, MeSH D009386, MONDO:0015356.

Submission:

Ambry Genetics
Classification: Pathogenic for Hereditary cancer-predisposing syndrome. Last evaluated: 2021-08-27. Review status: criteria provided, single submitter. Criteria: Ambry Variant Classification Scheme 2023. Collection method: clinical testing. Allele origin: germline.
Comment: The c.538delC pathogenic mutation, located in coding exon 3 of the RAD51C gene, results from a deletion of one nucleotide at nucleotide position 538, causing a translational frameshift with a predicted alternate stop codon (p.L180Ffs*4). This alteration is expected to result in loss of function by premature protein truncation or nonsense-mediated mRNA decay. As such, this alteration is interpreted as a disease-causing mutation.